The following is an entry in ClinVar:

NM_001267550.2(TTN):c.9630del (p.Arg3211fs)

Gene: TTN (titin; minus strand). Cytogenetic location: 2q31.2.
Variant type: Deletion.
Coding change: c.9630del on transcript NM_001267550.2 (MANE Select); coding-DNA position 9630, one base deleted (C; older notation c.9630delC).
Protein change: p.Arg3211fs; shifts the reading frame from arginine 3211.
Molecular consequence: frameshift variant.
Genome position (GRCh38, 1-based): chr2:178,766,454, G deleted on the plus strand (C on the coding strand, the reverse complement: TTN is on the minus strand); the first of 2 consecutive G bases (chr2:178,766,454-178,766,455); deleting either gives the same sequence. VCF-style (leftmost placement, unchanged base first): chr2-178766453-TG-T. GRCh37 (hg19) VCF-style: chr2-179631180-TG-T.
Other names: c.9630del, p.Arg3211fs (NM_001256850.1, NM_133378.4, NM_133379.5); c.9492del, p.Arg3165fs (NM_003319.4, NM_133432.3, NM_133437.4); short protein forms R3165fs, R3211fs.
Identifiers: ClinVar variation 2953963 (VCV002953963.3), dbSNP rs2532269523, ClinGen allele CA2740096291.

ClinVar aggregate classification (germline): Likely pathogenic (1 of 4 stars; one submission).

Conditions:
Autosomal recessive limb-girdle muscular dystrophy type 2J (LGMDR10). Also called: Limb-girdle muscular dystrophy, type 2J; MUSCULAR DYSTROPHY, LIMB-GIRDLE, AUTOSOMAL RECESSIVE 10. Identifiers: Orphanet 140922, MedGen C1837342, MONDO:0012127, OMIM 608807.
Dilated cardiomyopathy 1G (CMD1G). Identifiers: Orphanet 154, MedGen C1858763, MONDO:0011400, OMIM 604145.

Submission:

Labcorp Genetics (formerly Invitae), Labcorp
Classification: Likely pathogenic for Dilated cardiomyopathy 1G; Autosomal recessive limb-girdle muscular dystrophy type 2J. Last evaluated: 2024-05-27. Review status: criteria provided, single submitter. Criteria: Invitae Variant Classification Sherloc (09022015). Collection method: clinical testing. Allele origin: germline.
Comment: This sequence change creates a premature translational stop signal (p.Arg3211Aspfs*51) in the TTN gene. While this is not anticipated to result in nonsense mediated decay, it is expected to create a truncated TTN protein. This variant is not present in population databases (gnomAD no frequency). This variant has not been reported in the literature in individuals affected with TTN-related conditions. This variant is located in the I band of TTN (PMID: 25589632). Truncating variants in this region have been reported in individuals affected with autosomal recessive centronuclear myopathy (PMID: 23975875, Invitae internal data). Truncating variants in this region have also been identified in individuals affected with autosomal dominant dilated cardiomyopathy and/or cardio-related conditions (PMID: 27869827, 32964742, Invitae internal data). In summary, the currently available evidence indicates that the variant is pathogenic, but additional data are needed to prove that conclusively. Therefore, this variant has been classified as Likely Pathogenic.

Literature cited by the submitters: PubMed 25589632; PubMed 23975875; PubMed 27869827; PubMed 32964742.